The following is an entry in ClinVar:

NM_006206.6(PDGFRA):c.81A>C (p.Leu27Phe)

Gene: PDGFRA (platelet derived growth factor receptor alpha; plus strand). Cytogenetic location: 4q12.
Variant type: single nucleotide variant.
Coding change: c.81A>C on transcript NM_006206.6 (MANE Select); coding-DNA position 81, A replaced by C.
Protein change: p.Leu27Phe; replaces leucine 27 with phenylalanine.
Molecular consequence: missense variant.
Genome position (GRCh38, 1-based): chr4:54,261,126, A>C. VCF-style: chr4-54261126-A-C. GRCh37 (hg19) VCF-style: chr4-55127293-A-C.
Other names: c.81A>C, p.Leu27Phe (NM_001347829.2, NM_001347827.2); c.120A>C, p.Leu40Phe (NM_001347830.2); c.156A>C, p.Leu52Phe (NM_001347828.2); short protein forms L52F, L27F, L40F.
Identifiers: ClinVar variation 2819515 (VCV002819515.3), dbSNP rs529666430, ClinGen allele CA356888207.
Genomic context (GRCh38, chr4:54,261,126, plus strand): 5'-TCCTATTCAGAGCGTGCTTCCTTTTGCAGGGCTGAGCCTAATCCTCTGCCAGCTTTCATT[A>C]CCCTCTATCCTTCCAAATGAAAATGAAAAGGTTGTGCAGCTGAATTCATCCTTTTCTCTG-3'
Protein context (NP_006197.1, residues 17-37): GLSLILCQLS[Leu27Phe]PSILPNENEK

ClinVar aggregate classification (germline): Uncertain significance (1 of 4 stars; one submission).

Conditions:
Gastrointestinal stromal tumor. Also called: Gastrointestinal stromal tumor, somatic; Gastrointestinal stroma tumor. Identifiers: Orphanet 44890, MedGen C0238198, MeSH D046152, MONDO:0011719, OMIM 606764, HP:0100723.

gnomAD v4.1: 1 of 1,614,090 alleles (0.000062%); highest among the groups gnomAD compares: South Asian, 0.0011%; no homozygotes.

Submission:

Labcorp Genetics (formerly Invitae), Labcorp
Classification: Uncertain significance for Gastrointestinal stromal tumor. Last evaluated: 2022-12-08. Review status: criteria provided, single submitter. Criteria: Invitae Variant Classification Sherloc (09022015). Collection method: clinical testing. Allele origin: germline.
Comment: This variant is present in population databases (no rsID available, gnomAD 0.003%). In summary, the available evidence is currently insufficient to determine the role of this variant in disease. Therefore, it has been classified as a Variant of Uncertain Significance. Advanced modeling of protein sequence and biophysical properties (such as structural, functional, and spatial information, amino acid conservation, physicochemical variation, residue mobility, and thermodynamic stability) performed at Invitae indicates that this missense variant is not expected to disrupt PDGFRA protein function. This variant has not been reported in the literature in individuals affected with PDGFRA-related conditions. This sequence change replaces leucine, which is neutral and non-polar, with phenylalanine, which is neutral and non-polar, at codon 27 of the PDGFRA protein (p.Leu27Phe).